The following is an entry in ClinVar:

NM_000256.3(MYBPC3):c.1428_1431del (p.Glu476fs)

Gene: MYBPC3 (myosin binding protein C3; minus strand). Cytogenetic location: 11p11.2.
Variant type: Deletion.
Coding change: c.1428_1431del on transcript NM_000256.3 (MANE Select); coding-DNA positions 1428 to 1431, 4 bases deleted (AGTA; older notation c.1428_1431delAGTA).
Protein change: p.Glu476fs; shifts the reading frame from glutamic acid 476.
Molecular consequence: frameshift variant.
Genome position (GRCh38, 1-based): chr11:47,342,856-47,342,859, TACT deleted on the plus strand (AGTA on the coding strand, the reverse complement: MYBPC3 is on the minus strand); deleting any 4 consecutive bases within chr11:47,342,856-47,342,860 gives the same sequence; the c. name uses the placement nearest the transcript's 3' end. VCF-style (leftmost placement, unchanged base first): chr11-47342855-ATACT-A. GRCh37 (hg19) VCF-style: chr11-47364406-ATACT-A.
Other names: c.1428_1431delAGTA (NM_000256.3); short protein forms E476fs.
Identifiers: ClinVar variation 3230868 (VCV003230868.1), dbSNP rs2495763359, ClinGen allele CA2825002011.
Genomic context (GRCh38, chr11:47,342,855, plus strand): 5'-CCCCAACACCCATGCCCCGTGCTTCTGGAACTCACCATTTGACTTGCGCCCCCTCCTCCG[ATACT>A]TCACACTCAAACTCCACCCGCTGCCCCACCATCACCAGCTGGTCCTCCAAGGGGCGCGTG-3'

ClinVar aggregate classification (germline): Pathogenic (1 of 4 stars; one submission).

Conditions:
Cardiovascular phenotype. Identifiers: MedGen CN230736.

Submission:

Ambry Genetics
Classification: Pathogenic for Cardiovascular phenotype. Last evaluated: 2024-03-11. Review status: criteria provided, single submitter. Criteria: Ambry Variant Classification Scheme 2023. Collection method: clinical testing. Allele origin: germline.
Comment: The c.1428_1431delAGTA pathogenic mutation, located in coding exon 16 of the MYBPC3 gene, results from a deletion of 4 nucleotides at nucleotide positions 1428 to 1431, causing a translational frameshift with a predicted alternate stop codon (p.E476Dfs*11). This variant is considered to be rare based on population cohorts in the Genome Aggregation Database (gnomAD). This alteration is expected to result in loss of function by premature protein truncation or nonsense-mediated mRNA decay. As such, this alteration is interpreted as a disease-causing mutation.